The following is an entry in ClinVar:

ClinVar aggregate classification (germline): Benign (1 of 4 stars; one submission).

Allele frequency attached by ClinVar (database versions not stated): 1000 Genomes Project 0.15056; 1000 Genomes Project 30x 0.15771; TOPMed 0.17665; gnomAD 0.17692 and 0.18292.
gnomAD v4.1: 26,584 of 151,148 alleles (18%); highest among the groups gnomAD compares: African/African-American, 34%; 3,061 homozygotes.

Submission:

GeneDx
Classification: Benign. Last evaluated: 2018-06-16. Review status: criteria provided, single submitter. Criteria: GeneDx Variant Classification (06012015). Collection method: clinical testing. Allele origin: germline. Affected: yes.
Comment: This variant is considered likely benign or benign based on one or more of the following criteria: it is a conservative change, it occurs at a poorly conserved position in the protein, it is predicted to be benign by multiple in silico algorithms, and/or has population frequency not consistent with disease.

NM_001386795.1(DTNA):c.1743+159C>T

Gene: DTNA (dystrobrevin alpha; plus strand). Cytogenetic location: 18q12.1.
Variant type: single nucleotide variant.
Coding change: c.1743+159C>T on transcript NM_001386795.1 (MANE Select); 159 bases into the intron after coding-DNA position 1743, C replaced by T.
Molecular consequence: intron variant.
Genome position (GRCh38, 1-based): chr18:34,864,221, C>T. VCF-style: chr18-34864221-C-T. GRCh37 (hg19) VCF-style: chr18-32444185-C-T.
Other names: c.1491+159C>T (NM_032975.4, NM_001386761.1, NM_032979.5); c.1488+159C>T (NM_001386762.1); c.1572+159C>T (NM_001386754.1, NM_001386755.1, NM_001386757.1 and 4 more transcripts); c.1569+159C>T (NM_001386760.1); c.1482+159C>T (NM_001386763.1, NM_001386764.1, NM_001386771.1 and 9 more transcripts); c.1479+159C>T (NM_001386768.1, NM_001386773.1, NM_001386769.1 and 1 more transcripts); c.912+159C>T (NM_001198945.2); c.1743+159C>T (NM_001386788.1); and 7 more.
Identifiers: ClinVar variation 672658 (VCV000672658.1), dbSNP rs9963649, ClinGen allele CA297793791.